The following is an entry in ClinVar:

ClinVar aggregate classification (germline): Uncertain significance. Review status: criteria provided, multiple submitters, no conflicts (2 of 4 stars). 2 submissions from 2 submitters: Uncertain significance (2). Last evaluated 2025-07-15.

Conditions:
Primary ciliary dyskinesia. Also called: Ciliary dyskinesia. Identifiers: Orphanet 244, MedGen C0008780, MONDO:0016575, HP:0012265.
Inborn genetic diseases. Identifiers: MedGen C0950123, MeSH D030342.

Allele frequency attached by ClinVar (database versions not stated): gnomAD exomes below 0.00001 and 0.00001; ExAC 0.00001.
gnomAD v4.1: 7 of 1,614,026 alleles (0.00043%); highest among the groups gnomAD compares: South Asian, 0.0044%; no homozygotes.

Submissions (2):

Ambry Genetics
Classification: Uncertain significance for Inborn genetic diseases. Last evaluated: 2025-07-15. Review status: criteria provided, single submitter. Criteria: Ambry Variant Classification Scheme 2023. Collection method: clinical testing. Allele origin: germline.

Labcorp Genetics (formerly Invitae), Labcorp
Classification: Uncertain significance for Primary ciliary dyskinesia. Last evaluated: 2021-08-13. Review status: criteria provided, single submitter. Criteria: Invitae Variant Classification Sherloc (09022015). Collection method: clinical testing. Allele origin: germline.
Comment: In summary, the available evidence is currently insufficient to determine the role of this variant in disease. Therefore, it has been classified as a Variant of Uncertain Significance. Algorithms developed to predict the effect of missense changes on protein structure and function are either unavailable or do not agree on the potential impact of this missense change (SIFT: "Deleterious"; PolyPhen-2: "Benign"; Align-GVGD: "Class C0"). This variant has not been reported in the literature in individuals with ZMYND10-related conditions. This variant is present in population databases (rs774945751, ExAC 0.006%). This sequence change replaces alanine with aspartic acid at codon 315 of the ZMYND10 protein (p.Ala315Asp). The alanine residue is moderately conserved and there is a moderate physicochemical difference between alanine and aspartic acid.

NM_015896.4(ZMYND10):c.944C>A (p.Ala315Asp)

Gene: ZMYND10 (zinc finger MYND-type containing 10; minus strand). Cytogenetic location: 3p21.31.
Variant type: single nucleotide variant.
Coding change: c.944C>A on transcript NM_015896.4 (MANE Select); coding-DNA position 944, C replaced by A.
Protein change: p.Ala315Asp; replaces alanine 315 with aspartic acid.
Molecular consequence: missense variant.
Genome position (GRCh38, 1-based): chr3:50,342,070, G>T on the plus strand (C>A on the coding strand, the complement: ZMYND10 is on the minus strand). VCF-style: chr3-50342070-G-T. GRCh37 (hg19) VCF-style: chr3-50379501-G-T.
Other names: c.929C>A, p.Ala310Asp (NM_001308379.2); short protein forms A310D, A315D.
Identifiers: ClinVar variation 847084 (VCV000847084.7), dbSNP rs774945751, ClinGen allele CA2417042.